The following is an entry in ClinVar:

NM_001365951.3(KIF1B):c.2676-3T>C

Genes: KIF1B (kinesin family member 1B; plus strand), LOC126805614 (BRD4-independent group 4 enhancer GRCh37_chr1:10385546-10386745; plus strand). Cytogenetic location: 1p36.22.
Variant type: single nucleotide variant.
Coding change: c.2676-3T>C on transcript NM_001365951.3 (MANE Select); 3 bases into the intron before coding-DNA position 2676, T replaced by C.
Molecular consequence: intron variant.
Genome position (GRCh38, 1-based): chr1:10,326,108, T>C. VCF-style: chr1-10326108-T-C. GRCh37 (hg19) VCF-style: chr1-10386166-T-C.
Other names: c.2538-3T>C (NM_015074.3); c.2676-3T>C (NM_001365952.1).
Identifiers: ClinVar variation 2054610 (VCV002054610.6), dbSNP rs762423160, ClinGen allele CA581587.
Genomic context (GRCh38, chr1:10,326,108, plus strand): 5'-CCTGTTTAACCAACTATTCCTCTCTCCCTGGCTGTGTTAATTGGCGTCTTACCTGGTGTC[T>C]AGCTCCCCCATTTTCCACGGCTGTGTGAACGAGCGCCTTGCCGACCGCACACCCTCCCCC-3'

ClinVar aggregate classification (germline): Uncertain significance. Review status: criteria provided, multiple submitters, no conflicts (2 of 4 stars). 2 submissions from 2 submitters: Uncertain significance (2). Last evaluated 2024-04-27.

Conditions:
Charcot-Marie-Tooth disease type 2. Also called: Charcot-Marie-Tooth type 2. Identifiers: Orphanet 64746, MedGen C0270914, MONDO:0018993.

Allele frequency attached by ClinVar (database versions not stated): TOPMed below 0.00001; ExAC 0.00001; gnomAD exomes 0.00002; gnomAD 0.00001.
gnomAD v4.1: 13 of 1,613,984 alleles (0.00081%); highest among the groups gnomAD compares: Admixed American, 0.0017%; no homozygotes.

Submissions (2):

Labcorp Genetics (formerly Invitae), Labcorp
Classification: Uncertain significance for Charcot-Marie-Tooth disease type 2. Last evaluated: 2024-04-27. Review status: criteria provided, single submitter. Criteria: Invitae Variant Classification Sherloc (09022015). Collection method: clinical testing. Allele origin: germline.
Comment: This sequence change falls in intron 24 of the KIF1B gene. It does not directly change the encoded amino acid sequence of the KIF1B protein. It affects a nucleotide within the consensus splice site. This variant is present in population databases (rs762423160, gnomAD 0.003%). This variant has not been reported in the literature in individuals affected with KIF1B-related conditions. ClinVar contains an entry for this variant (Variation ID: 2054610). Variants that disrupt the consensus splice site are a relatively common cause of aberrant splicing (PMID: 17576681, 9536098). Algorithms developed to predict the effect of sequence changes on RNA splicing suggest that this variant is not likely to affect RNA splicing. In summary, the available evidence is currently insufficient to determine the role of this variant in disease. Therefore, it has been classified as a Variant of Uncertain Significance.

Ambry Genetics
Classification: Uncertain significance. Last evaluated: 2023-04-10. Review status: criteria provided, single submitter. Criteria: Ambry Variant Classification Scheme 2023. Collection method: clinical testing. Allele origin: germline.
Comment: The c.2538-3T>C intronic variant results from a T to C substitution 3 nucleotides upstream from coding exon 24 in the KIF1B gene. This nucleotide position is not well conserved in available vertebrate species. In silico splice site analysis predicts that this alteration will not have any significant effect on splicing. The evidence for this gene-disease relationship is limited; therefore, the clinical significance of this alteration is unclear.

Literature cited by the submitters: PubMed 17576681 (cited by Labcorp Genetics (formerly Invitae), Labcorp); PubMed 9536098 (cited by Labcorp Genetics (formerly Invitae), Labcorp).